The following is an entry in ClinVar:

NM_016356.5(DCDC2):c.558G>T (p.Arg186Ser)

Gene: DCDC2 (doublecortin domain containing 2; minus strand). Cytogenetic location: 6p22.3.
Variant type: single nucleotide variant.
Coding change: c.558G>T on transcript NM_016356.5 (MANE Select); coding-DNA position 558, G replaced by T.
Protein change: p.Arg186Ser; replaces arginine 186 with serine.
Molecular consequence: missense variant.
Genome position (GRCh38, 1-based): chr6:24,291,078, C>A on the plus strand (G>T on the coding strand, the complement: DCDC2 is on the minus strand). VCF-style: chr6-24291078-C-A. GRCh37 (hg19) VCF-style: chr6-24291306-C-A.
Other names: c.558G>T, p.Arg186Ser (NM_001195610.2); c.558G>T (NM_016356.4); short protein forms R186S.
Identifiers: ClinVar variation 594459 (VCV000594459.6), dbSNP rs748032288, ClinGen allele CA136636026.

ClinVar aggregate classification (germline): Uncertain significance. Review status: criteria provided, multiple submitters, no conflicts (2 of 4 stars). 2 submissions from 2 submitters: Uncertain significance (2). Last evaluated 2026-09-02.

Conditions:
DCDC2-related disorder. Also called: DCDC2-related condition.

gnomAD v4.1: 69 of 1,608,150 alleles (0.0043%); highest among the groups gnomAD compares: Non-Finnish European, 0.0057%; no homozygotes.

Submissions (2):

PreventionGenetics, part of Exact Sciences
Classification: Uncertain significance for DCDC2-related condition. Last evaluated: 2026-09-02. Review status: criteria provided, single submitter. Criteria: ACMG Guidelines, 2015. Collection method: clinical testing. Allele origin: germline.
Comment: The DCDC2 c.558G>T variant is predicted to result in the amino acid substitution p.Arg186Ser. To our knowledge, this variant has not been reported in the literature. This variant is reported in 0.0056% of alleles in individuals of East Asian descent in gnomAD. At this time, the clinical significance of this variant is uncertain due to the absence of conclusive functional and genetic evidence.

Eurofins Ntd Llc (ga)
Classification: Uncertain significance. Last evaluated: 2017-10-10. Review status: criteria provided, single submitter. Criteria: EGL Classification Definitions 2015. Collection method: clinical testing. Allele origin: germline. Observed: 1 variant allele, 1 heterozygote.